The following is an entry in ClinVar:

ClinVar aggregate classification (germline): Likely pathogenic (1 of 4 stars; one submission).

Conditions:
Breast-ovarian cancer, familial, susceptibility to, 4. Identifiers: Orphanet 145, MedGen C3280345, MONDO:0013669, OMIM 614291.

Submission:

Myriad Genetics, Inc.
Classification: Likely pathogenic for Breast-ovarian cancer, familial, susceptibility to, 4. Last evaluated: 2025-05-01. Review status: criteria provided, single submitter. Criteria: Myriad Autosomal Dominant, Autosomal Recessive and X-Linked Classification Criteria (2023). Collection method: clinical testing. Allele origin: unknown.
Comment: This variant is considered likely pathogenic. This variant creates a frameshift predicted to result in premature protein truncation.

NM_002878.4(RAD51D):c.580_583dup (p.Gly195fs)

Genes: RAD51D (RAD51 paralog D; minus strand), RAD51L3-RFFL (RAD51L3-RFFL readthrough; minus strand). Cytogenetic location: 17q12.
Variant type: Duplication.
Coding change: c.580_583dup on transcript NM_002878.4 (MANE Select); coding-DNA positions 580 to 583, 4 bases duplicated (ACTG; older notation c.580_583dupACTG).
Protein change: p.Gly195fs; shifts the reading frame from glycine 195.
Molecular consequence: frameshift variant. On other transcripts: non-coding transcript variant (3).
Genome position (GRCh38, 1-based): chr17:35,103,538-35,103,541, CAGT duplicated on the plus strand (ACTG on the coding strand, the reverse complement: RAD51D is on the minus strand); duplicating any 4 consecutive bases within chr17:35,103,538-35,103,543 gives the same sequence; the c. name uses the placement nearest the transcript's 3' end. VCF-style (leftmost placement, unchanged base first): chr17-35103537-C-CCAGT. GRCh37 (hg19) VCF-style: chr17-33430556-C-CCAGT.
Other names: c.640_643dup, p.Gly215fs (NM_001142571.2); c.244_247dup, p.Gly83fs (NM_133629.3); short protein forms G195fs, G215fs, G83fs.
Identifiers: ClinVar variation 4071382 (VCV004071382.1).